The following is an entry in ClinVar:

NM_001012614.2(CTBP1):c.633C>G (p.Thr211=)

Genes: CTBP1 (C-terminal binding protein 1; minus strand), CTBP1-AS (CTBP1 antisense RNA; plus strand). Cytogenetic location: 4p16.3.
Variant type: single nucleotide variant.
Coding change: c.633C>G on transcript NM_001012614.2 (MANE Select); coding-DNA position 633, C replaced by G.
Protein change: p.Thr211=; no amino-acid change (threonine 211 retained).
Molecular consequence: synonymous variant. On other transcripts: non-coding transcript variant (1).
Genome position (GRCh38, 1-based): chr4:1,216,087, G>C on the plus strand (C>G on the coding strand, the complement: CTBP1 is on the minus strand). VCF-style: chr4-1216087-G-C. GRCh37 (hg19) VCF-style: chr4-1209875-G-C.
Other names: c.666C>G, p.Thr222= (NM_001328.3, NM_001377186.1); c.633C>G, p.Thr211= (NM_001377187.1, NM_001377188.1, NM_001377189.1 and 4 more transcripts).
Identifiers: ClinVar variation 3050853 (VCV003050853.2), dbSNP rs1289547509, ClinGen allele CA437925588.
Genomic context (GRCh38, chr4:1,216,087, plus strand): 5'-GTGCTCGTTGAGGCCGCAGTGCAGGGTCACGCAGTCGCTGTGGAAGAGCAGGTCCTGCAG[G>C]GTGCTGACACGCTGCAGCCCCAGCGCCCGCTCCACGCCATCCGACAAGTAAGGGTCGTAG-3'
Protein context (NP_001012632.1, residues 201-221): ERALGLQRVS[Thr211=]LQDLLFHSDC

ClinVar aggregate classification (germline): Likely benign (0 of 4 stars; one submission).

Conditions:
CTBP1-related disorder. Also called: CTBP1-related condition.

Allele frequency attached by ClinVar (database versions not stated): gnomAD exomes below 0.00001.
gnomAD v4.1: 1 of 1,611,550 alleles (0.000062%); highest among the groups gnomAD compares: Non-Finnish European, 0.000085%; no homozygotes.

Submission:

PreventionGenetics, part of Exact Sciences
Classification: Likely benign for CTBP1-related condition. Last evaluated: 2019-04-05. Review status: no assertion criteria provided. Collection method: clinical testing. Allele origin: germline.
Comment: This variant is classified as likely benign based on ACMG/AMP sequence variant interpretation guidelines (Richards et al. 2015 PMID: 25741868, with internal and published modifications).